The following is an entry in ClinVar:

NM_003072.5(SMARCA4):c.2845A>T (p.Met949Leu)

Gene: SMARCA4 (SWI/SNF related BAF chromatin remodeling complex subunit ATPase 4; plus strand). Cytogenetic location: 19p13.2.
Variant type: single nucleotide variant.
Coding change: c.2845A>T on transcript NM_003072.5 (MANE Select); coding-DNA position 2845, A replaced by T.
Protein change: p.Met949Leu; replaces methionine 949 with leucine.
Molecular consequence: missense variant. On other transcripts: non-coding transcript variant (1).
Genome position (GRCh38, 1-based): chr19:11,021,953, A>T. VCF-style: chr19-11021953-A-T. GRCh37 (hg19) VCF-style: chr19-11132629-A-T.
Other names: c.2845A>T, p.Met949Leu (NM_001128844.3, NM_001128845.2, NM_001128846.2 and 5 more transcripts); short protein forms M949L.
Identifiers: ClinVar variation 1350708 (VCV001350708.8), dbSNP rs2146423428, ClinGen allele CA404057051.

ClinVar aggregate classification (germline): Uncertain significance (1 of 4 stars; one submission).

Conditions:
Rhabdoid tumor predisposition syndrome 2 (RTPS2). Identifiers: Orphanet 231108, Orphanet 69077, MedGen C2750074, MONDO:0013224, OMIM 613325.

Submission:

Labcorp Genetics (formerly Invitae), Labcorp
Classification: Uncertain significance for Rhabdoid tumor predisposition syndrome 2. Last evaluated: 2021-01-16. Review status: criteria provided, single submitter. Criteria: Invitae Variant Classification Sherloc (09022015). Collection method: clinical testing. Allele origin: germline.
Comment: Algorithms developed to predict the effect of missense changes on protein structure and function are either unavailable or do not agree on the potential impact of this missense change (SIFT: "Deleterious"; PolyPhen-2: "Benign"; Align-GVGD: "Class C0"). This sequence change replaces methionine with leucine at codon 949 of the SMARCA4 protein (p.Met949Leu). The methionine residue is highly conserved and there is a small physicochemical difference between methionine and leucine. This variant is not present in population databases (ExAC no frequency). This variant has not been reported in the literature in individuals with SMARCA4-related conditions. In summary, the available evidence is currently insufficient to determine the role of this variant in disease. Therefore, it has been classified as a Variant of Uncertain Significance.